The following is an entry in ClinVar:

NM_001330260.2(SCN8A):c.1450A>G (p.Ser484Gly)

Gene: SCN8A (sodium voltage-gated channel alpha subunit 8; plus strand). Cytogenetic location: 12q13.13.
Variant type: single nucleotide variant.
Coding change: c.1450A>G on transcript NM_001330260.2 (MANE Select); coding-DNA position 1450, A replaced by G.
Protein change: p.Ser484Gly; replaces serine 484 with glycine.
Molecular consequence: missense variant.
Genome position (GRCh38, 1-based): chr12:51,706,530, A>G. VCF-style: chr12-51706530-A-G. GRCh37 (hg19) VCF-style: chr12-52100314-A-G.
Other names: c.1450A>G, p.Ser484Gly (NM_001177984.3, NM_001369788.1, NM_014191.4); short protein forms S484G.
Identifiers: ClinVar variation 5005126 (VCV005005126.2).

ClinVar aggregate classification (germline): Uncertain significance (1 of 4 stars; one submission).

Conditions:
Seizures, benign familial infantile, 5 (BFIS5). Also called: CONVULSIONS, BENIGN FAMILIAL INFANTILE, 5. Identifiers: Orphanet 306, MedGen C4310728, MONDO:0014903, OMIM 617080.
Cognitive impairment with or without cerebellar ataxia (CIAT). Identifiers: MedGen C3280415, MONDO:0013680, OMIM 614306.
Developmental and epileptic encephalopathy, 13 (DEE13). Also called: Early infantile epileptic encephalopathy 13; SCN8A-Related Epilepsy; Developmental and Epileptic Encephalopathy (SCN8A-DEE). Identifiers: Orphanet 442835, MedGen C3281191, MONDO:0013801, OMIM 614558.
Myoclonus, familial, 2. Identifiers: MedGen C5193056, MONDO:0100092, OMIM 618364.

Submission:

Juno Genomics, Hangzhou Juno Genomics, Inc
Classification: Uncertain significance for Myoclonus, familial, 2; Cognitive impairment with or without cerebellar ataxia; Developmental and epileptic encephalopathy, 13; Seizures, benign familial infantile, 5. Review status: criteria provided, single submitter. Criteria: ACMG Guidelines, 2015. Collection method: clinical testing. Allele origin: germline.
Comment: Absent from controls (or at extremely low frequency if recessive) in Genome Aggregation Database.;Missense variant in a gene that has a low rate of benign missense variation.;Multiple lines of computational evidence support a deleterious effect on the gene or gene product.